The following is an entry in ClinVar:

NM_001006658.3(CR2):c.1844G>T (p.Gly615Val)

Gene: CR2 (complement C3d receptor 2; plus strand). Cytogenetic location: 1q32.2.
Variant type: single nucleotide variant.
Coding change: c.1844G>T on transcript NM_001006658.3 (MANE Select); coding-DNA position 1844, G replaced by T.
Protein change: p.Gly615Val; replaces glycine 615 with valine.
Molecular consequence: missense variant.
Genome position (GRCh38, 1-based): chr1:207,473,045, G>T. VCF-style: chr1-207473045-G-T. GRCh37 (hg19) VCF-style: chr1-207646390-G-T.
Other names: c.1844G>T, p.Gly615Val (NM_001877.5); short protein forms G615V.
Identifiers: ClinVar variation 2184617 (VCV002184617.2), dbSNP rs144612840, ClinGen allele CA1368817.

ClinVar aggregate classification (germline): Uncertain significance. Review status: criteria provided, multiple submitters, no conflicts (2 of 4 stars). 2 submissions from 2 submitters: Uncertain significance (2). Last evaluated 2024-02-27.

Conditions:
Inborn genetic diseases. Identifiers: MedGen C0950123, MeSH D030342.
Immunodeficiency, common variable, 7. Identifiers: Orphanet 1572, Orphanet 696894, MedGen C3542922, MONDO:0013862, OMIM 614699.

Allele frequency attached by ClinVar (database versions not stated): TOPMed 0.00010; ExAC 0.00002; gnomAD 0.00007; ESP Exome Variant Server 0.00008; gnomAD exomes 0.00001.
gnomAD v4.1: 18 of 1,613,822 alleles (0.0011%); highest among the groups gnomAD compares: African/African-American, 0.023%; no homozygotes.

Submissions (2):

Ambry Genetics
Classification: Uncertain significance for Inborn genetic diseases. Last evaluated: 2024-02-27. Review status: criteria provided, single submitter. Criteria: Ambry Variant Classification Scheme 2023. Collection method: clinical testing. Allele origin: germline.

Labcorp Genetics (formerly Invitae), Labcorp
Classification: Uncertain significance for Immunodeficiency, common variable, 7. Last evaluated: 2022-01-27. Review status: criteria provided, single submitter. Criteria: Invitae Variant Classification Sherloc (09022015). Collection method: clinical testing. Allele origin: germline.
Comment: This sequence change replaces glycine, which is neutral and non-polar, with valine, which is neutral and non-polar, at codon 615 of the CR2 protein (p.Gly615Val). This variant is present in population databases (rs144612840, gnomAD 0.03%). This variant has not been reported in the literature in individuals affected with CR2-related conditions. Algorithms developed to predict the effect of missense changes on protein structure and function are either unavailable or do not agree on the potential impact of this missense change (SIFT: "Deleterious"; PolyPhen-2: "Benign"; Align-GVGD: "Class C0"). In summary, the available evidence is currently insufficient to determine the role of this variant in disease. Therefore, it has been classified as a Variant of Uncertain Significance.